The following is an entry in ClinVar:

NM_018089.3(ANKZF1):c.709A>G (p.Thr237Ala)

Gene: ANKZF1 (ankyrin repeat and zinc finger peptidyl tRNA hydrolase 1; plus strand). Cytogenetic location: 2q35.
Variant type: single nucleotide variant.
Coding change: c.709A>G on transcript NM_018089.3 (MANE Select); coding-DNA position 709, A replaced by G.
Protein change: p.Thr237Ala; replaces threonine 237 with alanine.
Molecular consequence: missense variant.
Genome position (GRCh38, 1-based): chr2:219,233,323, A>G. VCF-style: chr2-219233323-A-G. GRCh37 (hg19) VCF-style: chr2-220098045-A-G.
Other names: c.709A>G (NM_018089.2); c.709A>G, p.Thr237Ala (NM_001042410.2); c.79A>G, p.Thr27Ala (NM_001282792.2); short protein forms T27A, T237A.
Identifiers: ClinVar variation 1414010 (VCV001414010.9), dbSNP rs368052998, ClinGen allele CA2120841.
Genomic context (GRCh38, chr2:219,233,323, plus strand): 5'-TACTGAGTCTGTGCTGTCTACAGAAGAGAAGTGGTGACACACAAAACTTTTCACCGCTAT[A>G]CGGTTCGGGCCAAGCGGGGCACAGCCCAGGGGCTTCGGGATGCCCGAGGTGGGCCATCAC-3'
Protein context (NP_060559.2, residues 227-247): VVTHKTFHRY[Thr237Ala]VRAKRGTAQG

ClinVar aggregate classification (germline): Uncertain significance. Review status: criteria provided, multiple submitters, no conflicts (2 of 4 stars). 2 submissions from 2 submitters: Uncertain significance (2). Last evaluated 2025-10-24.

Allele frequency attached by ClinVar (database versions not stated): gnomAD exomes 0.00001 and 0.00002; ExAC 0.00004; ESP Exome Variant Server 0.00008; gnomAD 0.00009 and 0.00010; TOPMed 0.00014; 1000 Genomes Project 30x 0.00016; 1000 Genomes Project 0.00020.
gnomAD v4.1: 25 of 1,614,258 alleles (0.0015%); highest among the groups gnomAD compares: African/African-American, 0.032%; no homozygotes.

Submissions (2):

Labcorp Genetics (formerly Invitae), Labcorp
Classification: Uncertain significance. Last evaluated: 2025-10-24. Review status: criteria provided, single submitter. Criteria: Invitae Variant Classification Sherloc (09022015). Collection method: clinical testing. Allele origin: germline.
Comment: This sequence change replaces threonine, which is neutral and polar, with alanine, which is neutral and non-polar, at codon 237 of the ANKZF1 protein (p.Thr237Ala). This variant is present in population databases (rs368052998, gnomAD 0.03%). This variant has not been reported in the literature in individuals affected with ANKZF1-related conditions. ClinVar contains an entry for this variant (Variation ID: 1414010). An algorithm developed to predict the effect of missense changes on protein structure and function (PolyPhen-2) suggests that this variant is likely to be disruptive. In summary, the available evidence is currently insufficient to determine the role of this variant in disease. Therefore, it has been classified as a Variant of Uncertain Significance.

Ambry Genetics
Classification: Uncertain significance. Last evaluated: 2025-08-29. Review status: criteria provided, single submitter. Criteria: Ambry Variant Classification Scheme 2023. Collection method: clinical testing. Allele origin: germline.